The following is an entry in ClinVar:

ClinVar aggregate classification (germline): Uncertain significance (1 of 4 stars; one submission).

Conditions:
Inborn genetic diseases. Identifiers: MedGen C0950123, MeSH D030342.

gnomAD v4.1: 1 of 1,614,086 alleles (0.000062%); no homozygotes.

Submission:

Ambry Genetics
Classification: Uncertain significance for Inborn genetic diseases. Last evaluated: 2025-12-22. Review status: criteria provided, single submitter. Criteria: Ambry Variant Classification Scheme 2023. Collection method: clinical testing. Allele origin: germline.
Comment: The p.N615D variant (also known as c.1843A>G), located in coding exon 8 of the MECOM gene, results from an A to G substitution at nucleotide position 1843. The asparagine at codon 615 is replaced by aspartic acid, an amino acid with highly similar properties. This amino acid position is conserved. In addition, this alteration is predicted to be tolerated by in silico analysis. Based on the available evidence, the clinical significance of this variant remains unclear.

NM_004991.4(MECOM):c.1843A>G (p.Asn615Asp)

Gene: MECOM (MDS1 and EVI1 complex locus; minus strand). Cytogenetic location: 3q26.2.
Variant type: single nucleotide variant.
Coding change: c.1843A>G on transcript NM_004991.4 (MANE Select); coding-DNA position 1843, A replaced by G.
Protein change: p.Asn615Asp; replaces asparagine 615 with aspartic acid.
Molecular consequence: missense variant. On other transcripts: intron variant (2).
Genome position (GRCh38, 1-based): chr3:169,116,029, T>C on the plus strand (A>G on the coding strand, the complement: MECOM is on the minus strand). VCF-style: chr3-169116029-T-C. GRCh37 (hg19) VCF-style: chr3-168833817-T-C.
Other names: c.1474A>G, p.Asn492Asp (NM_001105077.4); c.1279A>G, p.Asn427Asp (NM_001105078.4, NM_001164000.2, NM_001205194.2 and 4 more transcripts); c.1282A>G, p.Asn428Asp (NM_001163999.2, NM_001366467.2, NM_001366468.2 and 1 more transcripts); c.1843A>G, p.Asn615Asp (NM_001366466.2); c.1133-262A>G (NM_001366473.2); c.569-262A>G (NM_001366474.2); short protein forms N427D, N428D, N492D, N615D.
Identifiers: ClinVar variation 4842754 (VCV004842754.1).